The following is an entry in ClinVar:

ClinVar aggregate classification (germline): Pathogenic (1 of 4 stars; one submission).

Conditions:
Marfan syndrome (MFS). Also called: MARFAN SYNDROME, TYPE I; Marfan syndrome type 1; Marfan's syndrome; Marfan syndrome, classic; FBN1-Related Marfan Syndrome. Identifiers: Orphanet 284963, Orphanet 558, MedGen C0024796, MONDO:0007947, OMIM 154700.
Familial thoracic aortic aneurysm and aortic dissection (TAAD). Also called: Thoracic aortic aneurysms and dissections. Identifiers: Orphanet 91387, MedGen C4707243, MONDO:0019625.

Submission:

Labcorp Genetics (formerly Invitae), Labcorp
Classification: Pathogenic for Marfan syndrome; Familial thoracic aortic aneurysm and aortic dissection. Last evaluated: 2023-04-28. Review status: criteria provided, single submitter. Criteria: Invitae Variant Classification Sherloc (09022015). Collection method: clinical testing. Allele origin: germline.
Comment: This sequence change replaces cysteine, which is neutral and slightly polar, with glycine, which is neutral and non-polar, at codon 534 of the FBN1 protein (p.Cys534Gly). This variant affects a cysteine residue in the EGF-like, TGFBP or hybrid motif domains of FBN1. Cysteine residues are believed to be involved in intramolecular disulfide bridges and have been shown to be important for FBN1 protein structure (PMID: 16905551, 19349279). In addition, missense substitutions affecting cysteine residues within these domains are significantly overrepresented among patients with Marfan syndrome (PMID: 16571647, 17701892). Advanced modeling of protein sequence and biophysical properties (such as structural, functional, and spatial information, amino acid conservation, physicochemical variation, residue mobility, and thermodynamic stability) performed at Invitae indicates that this missense variant is expected to disrupt FBN1 protein function. This missense change has been observed in individual(s) with FBN1-related condition (PMID: 27906200). This variant is not present in population databases (gnomAD no frequency). For these reasons, this variant has been classified as Pathogenic. This variant disrupts the p.Cys534 amino acid residue in FBN1. Other variant(s) that disrupt this residue have been observed in individuals with FBN1-related conditions (PMID: 10364683, 19293843, 27906200, 31730815, 34550612, 34818515), which suggests that this may be a clinically significant amino acid residue.

Literature cited by the submitters: PubMed 16905551; PubMed 19349279; PubMed 16571647; PubMed 17701892; PubMed 27906200; PubMed 10364683; PubMed 19293843; PubMed 31730815; PubMed 34550612; PubMed 34818515.

NM_000138.5(FBN1):c.1600T>G (p.Cys534Gly)

Gene: FBN1 (fibrillin 1; minus strand). Cytogenetic location: 15q21.1.
Variant type: single nucleotide variant.
Coding change: c.1600T>G on transcript NM_000138.5 (MANE Select); coding-DNA position 1600, T replaced by G.
Protein change: p.Cys534Gly; replaces cysteine 534 with glycine.
Molecular consequence: missense variant.
Genome position (GRCh38, 1-based): chr15:48,510,158, A>C on the plus strand (T>G on the coding strand, the complement: FBN1 is on the minus strand). VCF-style: chr15-48510158-A-C. GRCh37 (hg19) VCF-style: chr15-48802355-A-C.
Other names: c.1600T>G, p.Cys534Gly (NM_001406716.1); short protein forms C534G.
Identifiers: ClinVar variation 2925572 (VCV002925572.3), dbSNP rs2505606374, ClinGen allele CA392341359.
Genomic context (GRCh38, chr15:48,510,158, plus strand): 5'-GAAAACTGCCATCTGTGTTGATGCAGCGTCCATTATTGCAGATCCGGCCATTCTGTAAAC[A>C]CTCATCAATGTCTAAAATCAAAGTTTAAAAAGAAGAAATAGCTTTATTTAGGGGAGTTAA-3'
Protein context (NP_000129.3, residues 524-544): TRTECRDIDE[Cys534Gly]LQNGRICNNG